The following is an entry in ClinVar:

NM_016239.4(MYO15A):c.4909_4911del (p.Glu1637del)

Gene: MYO15A (myosin XVA; plus strand). Cytogenetic location: 17p11.2.
Variant type: Deletion.
Coding change: c.4909_4911del on transcript NM_016239.4 (MANE Select); coding-DNA positions 4909 to 4911, 3 bases deleted (GAG; older notation c.4909_4911delGAG).
Protein change: p.Glu1637del; deletes glutamic acid 1637.
Molecular consequence: inframe deletion.
Genome position (GRCh38, 1-based): chr17:18,138,148-18,138,150, GAG deleted; deleting any 3 consecutive bases within chr17:18,138,146-18,138,150 gives the same sequence; the c. name uses the placement nearest the transcript's 3' end. VCF-style (leftmost placement, unchanged base first): chr17-18138145-CAGG-C. GRCh37 (hg19) VCF-style: chr17-18041459-CAGG-C.
Other names: short protein forms E1637del.
Identifiers: ClinVar variation 4813854 (VCV004813854.1).

ClinVar aggregate classification (germline): Uncertain significance (1 of 4 stars; one submission).

Conditions:
Autosomal recessive nonsyndromic hearing loss 3. Also called: NEUROSENSORY NONSYNDROMIC RECESSIVE DEAFNESS 3. Identifiers: Orphanet 90636, MedGen C1838263, MONDO:0010860, OMIM 600316.

Submission:

Genetics Research Center, University of Social Welfare and Rehabilitation Sciences
Classification: Uncertain significance for Autosomal recessive nonsyndromic hearing loss 3. Review status: criteria provided, single submitter. Criteria: ACMG Guidelines, 2015. Collection method: research. Allele origin: germline. Affected: yes.
Comment: The variant is not present in the gnomAD v2.1.1 dataset and has been previously reported in individual(s) affected with MYO15A-related hearing loss (PMID:22736430, 31579092). t has also been observed to segregate with disease in related individuals. The deleted amino acid is glutamic acid at position 1637, which is buried in the structure of the protein and not conserved. However, according to the multiple alignment using SIFT, this amino acid is at least evolutionarily conserved among diverse mammalian species, implicating a specific role for this position.

Literature cited by the submitters: PubMed 22736430; PubMed 31579092.